The following is an entry in ClinVar:

ClinVar aggregate classification (germline): Likely benign. Review status: criteria provided, multiple submitters, no conflicts (2 of 4 stars). 2 submissions from 2 submitters: Likely benign (2). Last evaluated 2023-04-01.

Allele frequency attached by ClinVar (database versions not stated): gnomAD 0.00001.
gnomAD v4.1: 3 of 1,552,368 alleles (0.00019%); highest among the groups gnomAD compares: Admixed American, 0.002%; no homozygotes.

Submissions (2):

CeGaT Center for Human Genetics Tuebingen
Classification: Likely benign. Last evaluated: 2023-04-01. Review status: criteria provided, single submitter. Criteria: CeGaT Center For Human Genetics Tuebingen Variant Classification Criteria Version 2. Collection method: clinical testing. Allele origin: germline. Affected: yes. Observed: 1 variant allele.
Comment: LOXHD1: BP4, BP7

Labcorp Genetics (formerly Invitae), Labcorp
Classification: Likely benign. Last evaluated: 2022-02-20. Review status: criteria provided, single submitter. Criteria: Invitae Variant Classification Sherloc (09022015). Collection method: clinical testing. Allele origin: germline.

NM_001384474.1(LOXHD1):c.2770C>A (p.Arg924=)

Gene: LOXHD1 (lipoxygenase homology PLAT domains 1; minus strand). Cytogenetic location: 18q21.1.
Variant type: single nucleotide variant.
Coding change: c.2770C>A on transcript NM_001384474.1 (MANE Select); coding-DNA position 2770, C replaced by A.
Protein change: p.Arg924=; no amino-acid change (arginine 924 retained).
Molecular consequence: synonymous variant.
Genome position (GRCh38, 1-based): chr18:46,560,374, G>T on the plus strand (C>A on the coding strand, the complement: LOXHD1 is on the minus strand). VCF-style: chr18-46560374-G-T. GRCh37 (hg19) VCF-style: chr18-44140337-G-T.
Other names: c.2770C>A, p.Arg924= (NM_144612.7).
Identifiers: ClinVar variation 1579518 (VCV001579518.32), dbSNP rs886053832, ClinGen allele CA989922932.